The following is an entry in ClinVar:

NM_005732.4(RAD50):c.3752+3A>G

Genes: RAD50 (RAD50 double strand break repair protein; plus strand), TH2LCRR (T helper type 2 locus control region associated RNA; minus strand), TH2-LCR (Th2 cytokine locus control region; plus strand). Cytogenetic location: 5q31.1.
Variant type: single nucleotide variant.
Coding change: c.3752+3A>G on transcript NM_005732.4 (MANE Select); 3 bases into the intron after coding-DNA position 3752, A replaced by G.
Molecular consequence: intron variant.
Genome position (GRCh38, 1-based): chr5:132,640,808, A>G. VCF-style: chr5-132640808-A-G. GRCh37 (hg19) VCF-style: chr5-131976500-A-G.
Identifiers: ClinVar variation 220951 (VCV000220951.14), dbSNP rs864622704, ClinGen allele CA350380.

ClinVar aggregate classification (germline): Conflicting classifications of pathogenicity. Review status: criteria provided, conflicting classifications (1 of 4 stars). 2 submissions from 2 submitters: Uncertain significance (1); Likely benign (1). Last evaluated 2025-08-18.

Conditions:
Hereditary cancer-predisposing syndrome. Also called: Hereditary neoplastic syndrome; Tumor predisposition; Hereditary Cancer Syndrome; Neoplastic Syndromes, Hereditary. Identifiers: Orphanet 140162, MedGen C0027672, MeSH D009386, MONDO:0015356.

Allele frequency attached by ClinVar (database versions not stated): gnomAD exomes below 0.00001; gnomAD 0.00001; TOPMed 0.00001.
gnomAD v4.1: 8 of 1,613,058 alleles (0.0005%); highest among the groups gnomAD compares: African/African-American, 0.011%; no homozygotes.

Submissions (2):

Labcorp Genetics (formerly Invitae), Labcorp
Classification: Likely benign for Hereditary cancer-predisposing syndrome. Last evaluated: 2025-08-18. Review status: criteria provided, single submitter. Criteria: Invitae Variant Classification Sherloc (09022015). Collection method: clinical testing. Allele origin: germline.

Ambry Genetics
Classification: Uncertain significance for Hereditary cancer-predisposing syndrome. Last evaluated: 2020-06-26. Review status: criteria provided, single submitter. Criteria: Ambry Variant Classification Scheme 2023. Collection method: clinical testing. Allele origin: germline.
Comment: The c.3752+3A>G intronic variant results from an A to G substitution 3 nucleotides after coding exon 24 in the RAD50 gene. This nucleotide position is not adequately covered in vertebrate species. Using the BDGP and ESEfinder splice site prediction tools, this alteration is predicted to weaken the efficiency of the native splice donor site; however, direct evidence is unavailable. Since supporting evidence is limited at this time, the clinical significance of this alteration remains unclear.